The following is an entry in ClinVar:

ClinVar aggregate classification (germline): Uncertain significance (1 of 4 stars; one submission).

Conditions:
Hypertrophic cardiomyopathy. Also called: HYPERTROPHIC MYOCARDIOPATHY. Identifiers: Orphanet 217569, MedGen C0007194, MeSH D002312, MONDO:0005045, HP:0001639.

Allele frequency attached by ClinVar (database versions not stated): gnomAD exomes below 0.00001.
gnomAD v4.1: 2 of 1,613,740 alleles (0.00012%); highest among the groups gnomAD compares: South Asian, 0.0022%; 1 homozygote.

Submission:

Labcorp Genetics (formerly Invitae), Labcorp
Classification: Uncertain significance for Hypertrophic cardiomyopathy. Last evaluated: 2023-03-26. Review status: criteria provided, single submitter. Criteria: Invitae Variant Classification Sherloc (09022015). Collection method: clinical testing. Allele origin: germline.
Comment: In summary, the available evidence is currently insufficient to determine the role of this variant in disease. Therefore, it has been classified as a Variant of Uncertain Significance. Algorithms developed to predict the effect of sequence changes on RNA splicing suggest that this variant may create or strengthen a splice site. This variant has not been reported in the literature in individuals affected with MYL3-related conditions. This variant is not present in population databases (gnomAD no frequency). This sequence change affects codon 102 of the MYL3 mRNA. It is a 'silent' change, meaning that it does not change the encoded amino acid sequence of the MYL3 protein. It affects a nucleotide within the consensus splice site.

NM_000258.3(MYL3):c.306A>G (p.Glu102=)

Gene: MYL3 (myosin light chain 3; minus strand). Cytogenetic location: 3p21.31.
Variant type: single nucleotide variant.
Coding change: c.306A>G on transcript NM_000258.3 (MANE Select); coding-DNA position 306, A replaced by G.
Protein change: p.Glu102=; no amino-acid change (glutamic acid 102 retained).
Molecular consequence: synonymous variant.
Genome position (GRCh38, 1-based): chr3:46,860,677, T>C on the plus strand (A>G on the coding strand, the complement: MYL3 is on the minus strand). VCF-style: chr3-46860677-T-C. GRCh37 (hg19) VCF-style: chr3-46902167-T-C.
Other names: c.306A>G, p.Glu102= (NM_001406937.1, NM_001406938.1, NM_001406939.1); c.132A>G, p.Glu44= (NM_001406940.1, NM_001406941.1).
Identifiers: ClinVar variation 2793286 (VCV002793286.3), dbSNP rs2544966792, ClinGen allele CA433474511.